The following is an entry in ClinVar:

ClinVar aggregate classification (germline): not provided (0 of 4 stars; one submission).

Conditions:
Kindler syndrome (KNDLRS). Also called: POIKILODERMA, CONGENITAL, WITH BULLAE, WEARY TYPE; POIKILODERMA, HEREDITARY ACROKERATOTIC; BULLOUS ACROKERATOTIC POIKILODERMA OF KINDLER AND WEARY; Poikiloderma of Kindler; Congenital bullous poikiloderma; Kindler's syndrome. Identifiers: Orphanet 2908, Orphanet 306539, MedGen C0406557, MONDO:0008260, OMIM 173650.

Submission:

GeneReviews
No classification provided. Condition: Kindler syndrome. Review status: no classification provided. Collection method: literature only. Allele origin: germline.
Comment: Common pathogenic variant

Literature cited by the submitters: NCBI Bookshelf NBK349072; PubMed 27293055; PubMed 31340837.

NM_017671.5(FERMT1):c.676C>T (p.Gln226Ter)

Gene: FERMT1 (FERM domain containing kindlin 1; minus strand). Cytogenetic location: 20p12.3.
Variant type: single nucleotide variant.
Coding change: c.676C>T on transcript NM_017671.5 (MANE Select); coding-DNA position 676, C replaced by T.
Protein change: p.Gln226Ter; replaces glutamine 226 with a stop codon.
Molecular consequence: nonsense.
Genome position (GRCh38, 1-based): chr20:6,110,368, G>A on the plus strand (C>T on the coding strand, the complement: FERMT1 is on the minus strand). VCF-style: chr20-6110368-G-A. GRCh37 (hg19) VCF-style: chr20-6091015-G-A.
Other names: short protein forms Q226*.
Identifiers: ClinVar variation 1338731 (VCV001338731.2), dbSNP rs767540244, ClinGen allele CA408188172.